The following is an entry in ClinVar:

ClinVar aggregate classification (germline): Uncertain significance (1 of 4 stars; one submission).

Conditions:
PLXNA4-related disorder. Also called: PLXNA4-related condition.

gnomAD v4.1: 16 of 1,613,894 alleles (0.00099%); highest among the groups gnomAD compares: Middle Eastern, 0.016%; no homozygotes.

Submission:

PreventionGenetics, part of Exact Sciences
Classification: Uncertain significance for PLXNA4-related condition. Last evaluated: 2025-12-23. Review status: criteria provided, single submitter. Criteria: ACMG Guidelines, 2015. Collection method: clinical testing. Allele origin: germline.
Comment: The PLXNA4 c.2831G>A variant is predicted to result in the amino acid substitution p.Arg944Gln. To our knowledge, this variant has not been reported in the literature. This variant is reported in 0.0041% of alleles in individuals of African descent in gnomAD. At this time, the clinical significance of this variant is uncertain due to the absence of conclusive functional and genetic evidence.

NM_020911.2(PLXNA4):c.2831G>A (p.Arg944Gln)

Gene: PLXNA4 (plexin A4; minus strand). Cytogenetic location: 7q32.3.
Variant type: single nucleotide variant.
Coding change: c.2831G>A on transcript NM_020911.2 (MANE Select); coding-DNA position 2831, G replaced by A.
Protein change: p.Arg944Gln; replaces arginine 944 with glutamine.
Molecular consequence: missense variant.
Genome position (GRCh38, 1-based): chr7:132,194,087, C>T on the plus strand (G>A on the coding strand, the complement: PLXNA4 is on the minus strand). VCF-style: chr7-132194087-C-T. GRCh37 (hg19) VCF-style: chr7-131878846-C-T.
Other names: c.2831G>A, p.Arg944Gln (NM_001393897.1); short protein forms R944Q.
Identifiers: ClinVar variation 4978220 (VCV004978220.1).
Genomic context (GRCh38, chr7:132,194,087, plus strand): 5'-TGCACCCAGCCAGATCACTGCTGGCCAAGACTCACCATGAAGTAATAGAGCTGTGAGGAC[C>T]GGGCCATGAATTCAGGCCGACACACAGCCACGCAGATCTCCACGAAGCCTGCATGCTGGC-3'
Protein context (NP_065962.1, residues 934-954): VAVCRPEFMA[Arg944Gln]SSQLYYFMTL